The following is an entry in ClinVar:

NM_005378.6(MYCN):c.620_688del (p.Ala207_Ala229del)

Gene: MYCN (MYCN proto-oncogene, bHLH transcription factor; plus strand). Cytogenetic location: 2p24.3.
Variant type: Deletion.
Coding change: c.620_688del on transcript NM_005378.6 (MANE Select); coding-DNA positions 620 to 688, 69 bases deleted.
Protein change: p.Ala207_Ala229del.
Molecular consequence: 3 prime UTR variant (on NM_001293233.2). On other transcripts: intron variant (1).
Genome position (GRCh38, 1-based): chr2:15,942,684-15,942,752, 69 bases deleted. GRCh37 (hg19): chr2:16,082,806-16,082,874.
Other names: c.620_688del, p.Ala207_Ala229del (NM_001293228.2); c.*555_*623del (NM_001293233.2); c.157+1941_157+2009del (NM_001293231.2).
Identifiers: ClinVar variation 4768207 (VCV004768207.1).

ClinVar aggregate classification (germline): Uncertain significance (1 of 4 stars; one submission).

Submission:

Labcorp Genetics (formerly Invitae), Labcorp
Classification: Uncertain significance. Last evaluated: 2025-06-15. Review status: criteria provided, single submitter. Criteria: Invitae Variant Classification Sherloc (09022015). Collection method: clinical testing. Allele origin: germline.
Comment: This variant, c.620_688del, results in the deletion of 23 amino acid(s) of the MYCN protein (p.Ala207_Ala229del), but otherwise preserves the integrity of the reading frame. This variant is not present in population databases (gnomAD no frequency). This variant has not been reported in the literature in individuals affected with MYCN-related conditions. Experimental studies and prediction algorithms are not available or were not evaluated, and the functional significance of this variant is currently unknown. In summary, the available evidence is currently insufficient to determine the role of this variant in disease. Therefore, it has been classified as a Variant of Uncertain Significance.